The following is an entry in ClinVar:

NM_000384.3(APOB):c.6007G>T (p.Asp2003Tyr)

Gene: APOB (apolipoprotein B; minus strand). Cytogenetic location: 2p24.1.
Variant type: single nucleotide variant.
Coding change: c.6007G>T on transcript NM_000384.3 (MANE Select); coding-DNA position 6007, G replaced by T.
Protein change: p.Asp2003Tyr; replaces aspartic acid 2003 with tyrosine.
Molecular consequence: missense variant.
Genome position (GRCh38, 1-based): chr2:21,010,861, C>A on the plus strand (G>T on the coding strand, the complement: APOB is on the minus strand). VCF-style: chr2-21010861-C-A. GRCh37 (hg19) VCF-style: chr2-21233733-C-A.
Other names: short protein forms D2003Y.
Identifiers: ClinVar variation 1751050 (VCV001751050.3), dbSNP rs773502213, ClinGen allele CA346003500.

ClinVar aggregate classification (germline): Uncertain significance (1 of 4 stars; one submission).

Conditions:
Cardiovascular phenotype. Identifiers: MedGen CN230736.

gnomAD v4.1: 6 of 1,614,066 alleles (0.00037%); highest among the groups gnomAD compares: Non-Finnish European, 0.00042%; no homozygotes.

Submission:

Ambry Genetics
Classification: Uncertain significance for Cardiovascular phenotype. Last evaluated: 2025-07-28. Review status: criteria provided, single submitter. Criteria: Ambry Variant Classification Scheme 2023. Collection method: clinical testing. Allele origin: germline.
Comment: The p.D2003Y variant (also known as c.6007G>T), located in coding exon 26 of the APOB gene, results from a G to T substitution at nucleotide position 6007. The aspartic acid at codon 2003 is replaced by tyrosine, an amino acid with highly dissimilar properties. This amino acid position is conserved. In addition, this alteration is predicted to be tolerated by in silico analysis. Since supporting evidence is limited at this time, the clinical significance of this alteration remains unclear.